The following is an entry in ClinVar:

NM_006516.4(SLC2A1):c.729G>A (p.Glu243=)

Gene: SLC2A1 (solute carrier family 2 member 1; minus strand). Cytogenetic location: 1p34.2.
Variant type: single nucleotide variant.
Coding change: c.729G>A on transcript NM_006516.4 (MANE Select); coding-DNA position 729, G replaced by A.
Protein change: p.Glu243=; no amino-acid change (glutamic acid 243 retained).
Molecular consequence: synonymous variant.
Genome position (GRCh38, 1-based): chr1:42,929,731, C>T on the plus strand (G>A on the coding strand, the complement: SLC2A1 is on the minus strand). VCF-style: chr1-42929731-C-T. GRCh37 (hg19) VCF-style: chr1-43395402-C-T.
Other names: p.Glu243=; c.729G>A (NM_006516.3).
Identifiers: ClinVar variation 1087055 (VCV001087055.10), dbSNP rs1007246725, ClinGen allele CA21251150.
Genomic context (GRCh38, chr1:42,929,731, plus strand): 5'-GAACAGCTCCAGGATGGTGACCTTCTTCTCCCGCATCATCTGCCGACTCTCTTCCTTCAT[C>T]TCCTGCAGGTCATGGGTCACGTCAGCTGTCCCGCGCAGCTTCTTTAGCACTGGGGGGACC-3'
Protein context (NP_006507.2, residues 233-253): GTADVTHDLQ[Glu243=]MKEESRQMMR

ClinVar aggregate classification (germline): Likely benign. Review status: criteria provided, multiple submitters, no conflicts (2 of 4 stars). 2 submissions from 2 submitters: Likely benign (2). Last evaluated 2025-03-18.

Conditions:
GLUT1 deficiency syndrome 1, autosomal recessive. Identifiers: MedGen C3149117.

Allele frequency attached by ClinVar (database versions not stated): gnomAD exomes below 0.00001; gnomAD 0.00002; TOPMed 0.00002.
gnomAD v4.1: 8 of 1,614,062 alleles (0.0005%); highest among the groups gnomAD compares: African/African-American, 0.011%; no homozygotes.

Submissions (2):

Mayo Clinic Laboratories, Mayo Clinic
Classification: Likely benign. Last evaluated: 2025-03-18. Review status: criteria provided, single submitter. Criteria: ACMG Guidelines, 2015. Collection method: clinical testing. Allele origin: germline. Observed: 1 variant allele.
Comment: BP4, BP7

Labcorp Genetics (formerly Invitae), Labcorp
Classification: Likely benign for GLUT1 deficiency syndrome 1, autosomal recessive. Last evaluated: 2020-02-06. Review status: criteria provided, single submitter. Criteria: Invitae Variant Classification Sherloc (09022015). Collection method: clinical testing. Allele origin: germline.